The following is an entry in ClinVar:

NM_001144869.3(LIPT2):c.392G>A (p.Gly131Asp)

Gene: LIPT2 (lipoyl(octanoyl) transferase 2; minus strand). Cytogenetic location: 11q13.4.
Variant type: single nucleotide variant.
Coding change: c.392G>A on transcript NM_001144869.3 (MANE Select); coding-DNA position 392, G replaced by A.
Protein change: p.Gly131Asp; replaces glycine 131 with aspartic acid.
Molecular consequence: missense variant. On other transcripts: intron variant (1).
Genome position (GRCh38, 1-based): chr11:74,493,312, C>T on the plus strand (G>A on the coding strand, the complement: LIPT2 is on the minus strand). VCF-style: chr11-74493312-C-T. GRCh37 (hg19) VCF-style: chr11-74204357-C-T.
Other names: c.392G>A, p.Gly131Asp (NM_001329941.2); c.237+155G>A (NM_001329942.2); short protein forms G131D.
Identifiers: ClinVar variation 1517770 (VCV001517770.8), dbSNP rs1465115668, ClinGen allele CA381976488.

ClinVar aggregate classification (germline): Uncertain significance (1 of 4 stars; one submission).

Submission:

Labcorp Genetics (formerly Invitae), Labcorp
Classification: Uncertain significance. Last evaluated: 2024-12-09. Review status: criteria provided, single submitter. Criteria: Invitae Variant Classification Sherloc (09022015). Collection method: clinical testing. Allele origin: germline.
Comment: This sequence change replaces glycine with aspartic acid at codon 131 of the LIPT2 protein (p.Gly131Asp). The glycine residue is highly conserved and there is a moderate physicochemical difference between glycine and aspartic acid. This variant is not present in population databases (gnomAD no frequency). This variant has not been reported in the literature in individuals affected with LIPT2-related conditions. ClinVar contains an entry for this variant (Variation ID: 1517770). An algorithm developed to predict the effect of missense changes on protein structure and function (PolyPhen-2) suggests that this variant is likely to be disruptive. In summary, the available evidence is currently insufficient to determine the role of this variant in disease. Therefore, it has been classified as a Variant of Uncertain Significance.